The following is an entry in ClinVar:

ClinVar aggregate classification (germline): Uncertain significance. Review status: criteria provided, multiple submitters, no conflicts (2 of 4 stars). 2 submissions from 2 submitters: Uncertain significance (2). Last evaluated 2026-07-06.

Conditions:
Hereditary cancer-predisposing syndrome. Also called: Hereditary Cancer Syndrome; Hereditary neoplastic syndrome; Neoplastic Syndromes, Hereditary; Tumor predisposition. Identifiers: Orphanet 140162, MedGen C0027672, MeSH D009386, MONDO:0015356.
Tuberous sclerosis 2 (TSC2). Identifiers: Orphanet 805, MedGen C1860707, MONDO:0013199, OMIM 613254.

gnomAD v4.1: 1 of 1,614,016 alleles (0.000062%); highest among the groups gnomAD compares: Non-Finnish European, 0.000085%; no homozygotes.

Submissions (2):

Ambry Genetics
Classification: Uncertain significance for Hereditary cancer-predisposing syndrome. Last evaluated: 2026-07-06. Review status: criteria provided, single submitter. Criteria: Ambry Variant Classification Scheme 2023. Collection method: clinical testing. Allele origin: germline.
Comment: The p.L888V variant (also known as c.2662C>G), located in coding exon 23 of the TSC2 gene, results from a C to G substitution at nucleotide position 2662. The leucine at codon 888 is replaced by valine, an amino acid with highly similar properties. This amino acid position is highly conserved in available vertebrate species. In addition, this alteration is predicted to be deleterious by in silico analysis. Based on the available evidence, the clinical significance of this variant remains unclear.

Labcorp Genetics (formerly Invitae), Labcorp
Classification: Uncertain significance for Tuberous sclerosis 2. Last evaluated: 2024-08-28. Review status: criteria provided, single submitter. Criteria: Invitae Variant Classification Sherloc (09022015). Collection method: clinical testing. Allele origin: germline.
Comment: This sequence change replaces leucine, which is neutral and non-polar, with valine, which is neutral and non-polar, at codon 888 of the TSC2 protein (p.Leu888Val). This variant is not present in population databases (gnomAD no frequency). This variant has not been reported in the literature in individuals affected with TSC2-related conditions. ClinVar contains an entry for this variant (Variation ID: 1794460). Invitae Evidence Modeling of protein sequence and biophysical properties (such as structural, functional, and spatial information, amino acid conservation, physicochemical variation, residue mobility, and thermodynamic stability) indicates that this missense variant is not expected to disrupt TSC2 protein function with a negative predictive value of 95%. In summary, the available evidence is currently insufficient to determine the role of this variant in disease. Therefore, it has been classified as a Variant of Uncertain Significance.

NM_000548.5(TSC2):c.2662C>G (p.Leu888Val)

Gene: TSC2 (TSC complex subunit 2; plus strand). Cytogenetic location: 16p13.3.
Variant type: single nucleotide variant.
Coding change: c.2662C>G on transcript NM_000548.5 (MANE Select); coding-DNA position 2662, C replaced by G.
Protein change: p.Leu888Val; replaces leucine 888 with valine.
Molecular consequence: missense variant.
Genome position (GRCh38, 1-based): chr16:2,076,090, C>G. VCF-style: chr16-2076090-C-G. GRCh37 (hg19) VCF-style: chr16-2126091-C-G.
Other names: c.2515C>G, p.Leu839Val (NM_001406676.1, NM_001406679.1, NM_001318829.2 and 1 more transcripts); c.2605C>G, p.Leu869Val (NM_001406677.1); c.2551C>G, p.Leu851Val (NM_001406678.1, NM_001318827.2, NM_001406670.1); c.2062C>G, p.Leu688Val (NM_001406680.1, NM_001406682.1, NM_001406683.1 and 6 more transcripts); c.2200C>G, p.Leu734Val (NM_001406681.1); c.2662C>G, p.Leu888Val (NM_001077183.3, NM_001114382.3, NM_001363528.2 and 6 more transcripts); c.2695C>G, p.Leu899Val (NM_001318832.2); c.2752C>G, p.Leu918Val (NM_001406667.1, NM_001406668.1); and 3 more; short protein forms L688V, L839V, L851V, L899V, L918V, L354V, L440V, L869V.
Identifiers: ClinVar variation 1794460 (VCV001794460.8), dbSNP rs765057258, ClinGen allele CA394279249.